The following is an entry in ClinVar:

ClinVar aggregate classification (germline): Uncertain significance (1 of 4 stars; one submission).

Submission:

Ambry Genetics
Classification: Uncertain significance. Last evaluated: 2022-08-04. Review status: criteria provided, single submitter. Criteria: Ambry Variant Classification Scheme 2023. Collection method: clinical testing. Allele origin: germline.
Comment: The p.T558K variant (also known as c.1673C>A), located in coding exon 3 of the ALPK2 gene, results from a C to A substitution at nucleotide position 1673. The threonine at codon 558 is replaced by lysine, an amino acid with similar properties. This amino acid position is conserved. In addition, this alteration is predicted to be tolerated by in silico analysis. Since supporting evidence is limited at this time, the clinical significance of this alteration remains unclear.

NM_052947.4(ALPK2):c.1673C>A (p.Thr558Lys)

Gene: ALPK2 (alpha kinase 2; minus strand). Cytogenetic location: 18q21.31.
Variant type: single nucleotide variant.
Coding change: c.1673C>A on transcript NM_052947.4 (MANE Select); coding-DNA position 1673, C replaced by A.
Protein change: p.Thr558Lys; replaces threonine 558 with lysine.
Molecular consequence: missense variant.
Genome position (GRCh38, 1-based): chr18:58,579,103, G>T on the plus strand (C>A on the coding strand, the complement: ALPK2 is on the minus strand). VCF-style: chr18-58579103-G-T. GRCh37 (hg19) VCF-style: chr18-56246335-G-T.
Other names: short protein forms T558K.
Identifiers: ClinVar variation 1777743 (VCV001777743.2), dbSNP rs2051939751, ClinGen allele CA402560975.